The following is an entry in ClinVar:

NM_014738.6(TMEM94):c.3348G>A (p.Pro1116=)

Gene: TMEM94 (transmembrane protein 94; plus strand). Cytogenetic location: 17q25.1.
Variant type: single nucleotide variant.
Coding change: c.3348G>A on transcript NM_014738.6 (MANE Select); coding-DNA position 3348, G replaced by A.
Protein change: p.Pro1116=; no amino-acid change (proline 1116 retained).
Molecular consequence: synonymous variant.
Genome position (GRCh38, 1-based): chr17:75,497,139, G>A. VCF-style: chr17-75497139-G-A. GRCh37 (hg19) VCF-style: chr17-73493220-G-A.
Other names: c.3378G>A, p.Pro1126= (NM_001321148.2); c.3360G>A, p.Pro1120= (NM_001321149.2); c.3300G>A, p.Pro1100= (NM_001351202.2); c.3375G>A, p.Pro1125= (NM_001351203.2).
Identifiers: ClinVar variation 3389042 (VCV003389042.14).
Genomic context (GRCh38, chr17:75,497,139, plus strand): 5'-TGAACTGTGGCTCTTGGCTTCTTTCCTGGTCTAGTTCCTTTCTTGCCTGGTCCAGCTGCC[G>A]CCACTCCTGAGTACCACCGACATCCTGTGGCTGTCCTGCTTTTGCTACCCTCTGCTCAGG-3'
Protein context (NP_055553.3, residues 1106-1126): IQFLSCLVQL[Pro1116=]PLLSTTDILW

ClinVar aggregate classification (germline): Likely benign (1 of 4 stars; one submission).

Submission:

CeGaT Center for Human Genetics Tuebingen
Classification: Likely benign. Last evaluated: 2024-11-01. Review status: criteria provided, single submitter. Criteria: CeGaT Center For Human Genetics Tuebingen Variant Classification Criteria Version 2. Collection method: clinical testing. Allele origin: germline. Affected: yes. Observed: 1 variant allele.
Comment: TMEM94: BP4, BP7